The following is an entry in ClinVar:

NM_024665.7(TBL1XR1):c.176A>G (p.Tyr59Cys)

Gene: TBL1XR1 (TBL1X/Y related 1; minus strand). Cytogenetic location: 3q26.32.
Variant type: single nucleotide variant.
Coding change: c.176A>G on transcript NM_024665.7 (MANE Select); coding-DNA position 176, A replaced by G.
Protein change: p.Tyr59Cys; replaces tyrosine 59 with cysteine.
Molecular consequence: missense variant. On other transcripts: 5 prime UTR variant (2).
Genome position (GRCh38, 1-based): chr3:177,053,801, T>C on the plus strand (A>G on the coding strand, the complement: TBL1XR1 is on the minus strand). VCF-style: chr3-177053801-T-C. GRCh37 (hg19) VCF-style: chr3-176771589-T-C.
Other names: c.176A>G, p.Tyr59Cys (NM_001321193.3, NM_001321194.3, NM_001374327.1 and 2 more transcripts); c.-86A>G (NM_001321195.3, NM_001374330.1); short protein forms Y59C.
Identifiers: ClinVar variation 3236762 (VCV003236762.1), dbSNP rs2473747376.
Genomic context (GRCh38, chr3:177,053,801, plus strand): 5'-AAAAATCAGTATTTGAAATAAGTCTTCCTTACCTCATTAATACTAACTTCTGCTTCTACA[T>C]ACTGTAGACCTTTCTGGATGATAGAAATCAATGCAGCGGGTGGGACGAGGGCACCATTTA-3'
Protein context (NP_078941.2, residues 49-69): LISIIQKGLQ[Tyr59Cys]VEAEVSINED

ClinVar aggregate classification (germline): Uncertain significance (1 of 4 stars; one submission).

Conditions:
Intellectual developmental disorder, autosomal dominant 41. Also called: Intellectual disability, autosomal dominant 41. Identifiers: Orphanet 2823, MedGen C4310784, MONDO:0014842, OMIM 616944.

Submission:

MVZ Medizinische Genetik Mainz
Classification: Uncertain significance for Intellectual developmental disorder, autosomal dominant 41. Last evaluated: 2022-07-21. Review status: criteria provided, single submitter. Criteria: UK Practice Guidelines For Variant Classification V4 01 2020. Collection method: clinical testing. Allele origin: germline. Inheritance: Autosomal dominant inheritance. Affected: yes. Observed: 1 variant allele.
Comment: ACMG Criteria: PM2_SUP, PP2, PP3 (ACMG Version 4)